The following is an entry in ClinVar:

NM_001151.4(SLC25A4):c.731G>A (p.Arg244Gln)

Gene: SLC25A4 (solute carrier family 25 member 4; plus strand). Cytogenetic location: 4q35.1.
Variant type: single nucleotide variant.
Coding change: c.731G>A on transcript NM_001151.4 (MANE Select); coding-DNA position 731, G replaced by A.
Protein change: p.Arg244Gln; replaces arginine 244 with glutamine.
Molecular consequence: missense variant.
Genome position (GRCh38, 1-based): chr4:185,145,891, G>A. VCF-style: chr4-185145891-G-A. GRCh37 (hg19) VCF-style: chr4-186067045-G-A.
Other names: short protein forms R244Q.
Identifiers: ClinVar variation 691709 (VCV000691709.6), dbSNP rs1160015603, ClinGen allele CA358897273.

ClinVar aggregate classification (germline): Uncertain significance. Review status: criteria provided, multiple submitters, no conflicts (2 of 4 stars). 3 submissions from 3 submitters: Uncertain significance (3). Last evaluated 2024-11-21.

Conditions:
Family history of sudden cardiac death. Identifiers: MedGen C2825161.

Allele frequency attached by ClinVar (database versions not stated): gnomAD 0.00001; gnomAD exomes 0.00001; TOPMed 0.00001.
gnomAD v4.1: 20 of 1,613,968 alleles (0.0012%); highest among the groups gnomAD compares: Non-Finnish European, 0.0016%; no homozygotes.

Submissions (3):

Labcorp Genetics (formerly Invitae), Labcorp
Classification: Uncertain significance. Last evaluated: 2024-11-21. Review status: criteria provided, single submitter. Criteria: Invitae Variant Classification Sherloc (09022015). Collection method: clinical testing. Allele origin: germline.
Comment: This sequence change replaces arginine, which is basic and polar, with glutamine, which is neutral and polar, at codon 244 of the SLC25A4 protein (p.Arg244Gln). This variant is not present in population databases (gnomAD no frequency). This variant has not been reported in the literature in individuals affected with SLC25A4-related conditions. ClinVar contains an entry for this variant (Variation ID: 691709). Invitae Evidence Modeling of protein sequence and biophysical properties (such as structural, functional, and spatial information, amino acid conservation, physicochemical variation, residue mobility, and thermodynamic stability) indicates that this missense variant is not expected to disrupt SLC25A4 protein function with a negative predictive value of 80%. In summary, the available evidence is currently insufficient to determine the role of this variant in disease. Therefore, it has been classified as a Variant of Uncertain Significance.

Blueprint Genetics
Classification: Uncertain significance. Last evaluated: 2019-09-09. Review status: criteria provided, single submitter. Criteria: ACMG Guidelines, 2015. Collection method: clinical testing. Allele origin: germline.

Center for Advanced Laboratory Medicine, UC San Diego Health, University of California San Diego
Classification: Uncertain significance for Family history of sudden cardiac death. Last evaluated: 2017-02-15. Review status: criteria provided, single submitter. Criteria: ACMG Guidelines, 2015. Collection method: clinical testing. Allele origin: germline. Affected: yes. Observed: 1 variant allele.